The following is an entry in ClinVar:

NM_152594.3(SPRED1):c.291G>A (p.Lys97=)

Gene: SPRED1 (sprouty related EVH1 domain containing 1; plus strand). Cytogenetic location: 15q14.
Variant type: single nucleotide variant.
Coding change: c.291G>A on transcript NM_152594.3 (MANE Select); coding-DNA position 291, G replaced by A.
Protein change: p.Lys97=; no amino-acid change (lysine 97 retained).
Molecular consequence: synonymous variant.
Genome position (GRCh38, 1-based): chr15:38,322,324, G>A. VCF-style: chr15-38322324-G-A. GRCh37 (hg19) VCF-style: chr15-38614525-G-A.
Other names: p.Lys97=.
Identifiers: ClinVar variation 41371 (VCV000041371.51), dbSNP rs7182445, ClinGen allele CA142276.

ClinVar aggregate classification (germline): Benign. Review status: criteria provided, multiple submitters, no conflicts (2 of 4 stars). 18 submissions from 18 submitters: Benign (14). 4 of the submissions do not count toward it. Last evaluated 2026-02-04.

Conditions:
Cardiovascular phenotype. Identifiers: MedGen CN230736.
Legius syndrome. Identifiers: Orphanet 137605, MedGen C1969623, MONDO:0012669, OMIM 611431. Disease mechanism: loss of function.

Allele frequency attached by ClinVar (database versions not stated): 1000 Genomes Project 30x 0.79809; 1000 Genomes Project 0.80012; TOPMed 0.80567; gnomAD 0.82029 and 0.82455; ESP Exome Variant Server 0.82584; ExAC 0.86374; gnomAD exomes 0.86538 and 0.88834.
gnomAD v4.1: 1,422,952 of 1,613,722 alleles (88%); highest among the groups gnomAD compares: Non-Finnish European, 90%; 630,054 homozygotes.

Submissions (18):

Labcorp Genetics (formerly Invitae), Labcorp
Classification: Benign for Legius syndrome. Last evaluated: 2026-02-04. Review status: criteria provided, single submitter. Criteria: Invitae Variant Classification Sherloc (09022015). Collection method: clinical testing. Allele origin: germline.

ARUP Laboratories, Molecular Genetics and Genomics, ARUP Laboratories
Classification: Benign for Legius syndrome. Last evaluated: 2025-07-31. Review status: criteria provided, single submitter. Criteria: ARUP Molecular Germline Variant Investigation Process 2024. Collection method: clinical testing. Allele origin: germline.

Blueprint Genetics
Classification: Benign. Last evaluated: 2024-11-27. Review status: criteria provided, single submitter. Criteria: ACMG Guidelines, 2015. Collection method: clinical testing. Allele origin: germline.

KCCC/NGS Laboratory, Kuwait Cancer Control Center
Classification: Benign for Legius syndrome. Last evaluated: 2023-07-07. Review status: criteria provided, single submitter. Criteria: ACMG Guidelines, 2015. Collection method: clinical testing. Allele origin: germline. Affected: yes.

Mayo Clinic Laboratories, Mayo Clinic
Classification: Benign. Last evaluated: 2022-04-26. Review status: criteria provided, single submitter. Criteria: ACMG Guidelines, 2015. Collection method: clinical testing. Allele origin: germline. Observed: 126 variant alleles.

Genome-Nilou Lab
Classification: Benign for Legius syndrome. Last evaluated: 2021-07-15. Review status: criteria provided, single submitter. Criteria: ACMG Guidelines, 2015. Collection method: clinical testing. Allele origin: germline. Affected: no.

Illumina Laboratory Services, Illumina
Classification: Benign for Legius syndrome. Last evaluated: 2018-01-12. Review status: criteria provided, single submitter. Criteria: ICSL Variant Classification Criteria 13 December 2019. Collection method: clinical testing. Allele origin: germline.
Comment: This variant was observed in the ICSL laboratory as part of a predisposition screen in an ostensibly healthy population. It had not been previously curated by ICSL or reported in the Human Gene Mutation Database (HGMD: prior to June 1st, 2018), and was therefore a candidate for classification through an automated scoring system. Utilizing variant allele frequency, disease prevalence and penetrance estimates, and inheritance mode, an automated score was calculated to assess if this variant is too frequent to cause the disease. Based on the score and internal cut-off values, a variant classified as benign is not then subjected to further curation. The score for this variant resulted in a classification of benign for this disease.

Women's Health and Genetics/Laboratory Corporation of America, LabCorp
Classification: Benign. Last evaluated: 2017-04-17. Review status: criteria provided, single submitter. Criteria: LabCorp Variant Classification Summary - May 2015. Collection method: clinical testing. Allele origin: germline.
Comment: Variant summary: The SPRED1 c.291G>A (p.Lys97Lys) variant involves the alteration of a conserved nucleotide, resulting in a synonymous change. One in silico tool predicts a polymorphism outcome for this variant. 5/5 splice prediction tools predict no significant impact on normal splicing. ESE finder predicts loss of the SRp40 and SF2/ASF binding motifs. However, these predictions have yet to be confirmed by functional studies. The variant of interest has been found in a large, broad control population, ExAC in 104831/121368 control chromosomes (45684 homozygotes) at a frequency of 0.863745, which is approximately 345498 times the estimated maximal expected allele frequency of a pathogenic SPRED1 variant (0.0000025), suggesting this variant is likely a benign polymorphism. In addition, multiple clinical diagnostic laboratories/reputable databases classified this variant as benign. The variant of interest has not, to our knowledge, been reported in affected individuals via publications; nor evaluated for functional impact by in vivo/vitro studies. Taken together, this variant is classified as benign.

Ambry Genetics
Classification: Benign for Cardiovascular phenotype. Last evaluated: 2016-04-04. Review status: criteria provided, single submitter. Criteria: Ambry Variant Classification Scheme 2023. Collection method: clinical testing. Allele origin: germline.

Eurofins Ntd Llc (ga)
Classification: Benign. Last evaluated: 2015-09-10. Review status: criteria provided, single submitter. Criteria: EGL Classification Definitions 2015. Collection method: clinical testing. Allele origin: germline. Observed: 21 variant alleles, 5 heterozygotes, 16 homozygotes.

GeneDx
Classification: Benign. Last evaluated: 2015-03-03. Review status: criteria provided, single submitter. Criteria: GeneDx Variant Classification Process June 2021. Collection method: clinical testing. Allele origin: germline. Affected: yes.

Laboratory for Molecular Medicine, Mass General Brigham Personalized Medicine
Classification: Benign. Last evaluated: 2012-03-14. Review status: criteria provided, single submitter. Criteria: LMM Criteria. Collection method: clinical testing. Allele origin: germline. Observed: 1,511 variant alleles.
Comment: Lys97Lys in exon 3 of SPRED1: This variant is not expected to have clinical sign ificance because it does not alter an amino acid residue, is not located within the splice consensus sequence, and it has been identified in 90% (6302/7020) of European American chromosomes and 69% (2576/3738) of African American chromosome s from a broad population by the NHLBI Exome Sequencing Project (dbSNP rs7182445).

Breakthrough Genomics
Classification: Benign. Review status: criteria provided, single submitter. Criteria: ACMG Guidelines, 2015. Collection method: not provided. Allele origin: germline. Inheritance: Autosomal dominant inheritance. Affected: yes.

PreventionGenetics, part of Exact Sciences
Classification: Benign. Review status: criteria provided, single submitter. Criteria: ACMG Guidelines, 2015. Collection method: clinical testing. Allele origin: germline.

Clinical Genetics, Academic Medical Center
Classification: Benign. Review status: no assertion criteria provided. Collection method: clinical testing. Allele origin: germline. Affected: yes. Study: VKGL Data-share Consensus. Not counted in ClinVar's aggregate classification.

Diagnostic Laboratory, Department of Genetics, University Medical Center Groningen
Classification: Benign for Legius syndrome. Review status: no assertion criteria provided. Collection method: clinical testing. Allele origin: germline. Affected: yes. Study: VKGL Data-share Consensus. Not counted in ClinVar's aggregate classification.

GeneReviews
No classification provided. Condition: Legius syndrome. Review status: no classification provided. Collection method: literature only. Allele origin: unknown. Not counted in ClinVar's aggregate classification.

Joint Genome Diagnostic Labs from Nijmegen and Maastricht, Radboudumc and MUMC+
Classification: Benign. Review status: no assertion criteria provided. Collection method: clinical testing. Allele origin: germline. Affected: yes. Study: VKGL Data-share Consensus. Not counted in ClinVar's aggregate classification.

Literature cited by the submitters: PubMed 20945555 (cited by GeneReviews); NCBI Bookshelf NBK47312 (cited by GeneReviews).